The following is an entry in ClinVar:

NM_201548.5(CERKL):c.1539-9_1552delinsGCAATCTGTAAAGAAAATACA

Genes: CERKL (CERK like autophagy regulator; minus strand), ITGA4 (integrin subunit alpha 4; plus strand). Cytogenetic location: 2q31.3.
Variant type: Indel.
Coding change: c.1539-9_1552delinsGCAATCTGTAAAGAAAATACA on transcript NM_201548.5 (MANE Select); 9 bases into the intron before coding-DNA position 1539 through coding-DNA position 1552, TCTTTACAGATTGCATCCAAGAC replaced by GCAATCTGTAAAGAAAATACA.
Molecular consequence: splice acceptor variant. On other transcripts: 3 prime UTR variant (1).
Genome position (GRCh38, 1-based): chr2:181,538,231-181,538,253, GTCTTGGATGCAATCTGTAAAGA replaced by TGTATTTTCTTTACAGATTGC on the plus strand (TCTTTACAGATTGCATCCAAGAC replaced by GCAATCTGTAAAGAAAATACA on the coding strand, the reverse complement: CERKL is on the minus strand). GRCh37 (hg19): chr2:182,402,958-182,402,980.
Other names: c.*2704_*2726delinsTGTATTTTCTTTACAGATTGC (NM_000885.6); c.1200-9_1213delinsGCAATCTGTAAAGAAAATACA (NM_001030312.3); c.1485-9_1498delinsGCAATCTGTAAAGAAAATACA (NM_001160277.2); c.1332-9_1345delinsGCAATCTGTAAAGAAAATACA (NM_001030313.3); c.1617-9_1630delinsGCAATCTGTAAAGAAAATACA (NM_001030311.3).
Identifiers: ClinVar variation 4814538 (VCV004814538.1).

ClinVar aggregate classification (germline): Likely pathogenic (1 of 4 stars; one submission).

Conditions:
Retinitis pigmentosa 26 (RP26). Identifiers: Orphanet 791, MedGen C1842127, MONDO:0012024, OMIM 608380.

Submission:

Natera, Inc.
Classification: Likely pathogenic for Retinitis Pigmentosa 26. Last evaluated: 2024-09-17. Review status: criteria provided, single submitter. Criteria: Natera Variant Classification Schema (03/2026). Collection method: clinical testing. Allele origin: germline.
Comment: The c.1617-9_1630delinsGCAATCTGTAAAGAAAATACA variant in CERKL is a deletion-insertion (delins) variant predicted to replace one or more nucleotides with a different sequence. This variant is expected to result in nonsense mediated decay, truncation, or a dysfunctional protein product. This variant is rare in the general population with a frequency below the threshold expected for the associated phenotype(s). Given the available evidence, this variant is classified as Likely Pathogenic.